The following is an entry in ClinVar:

NM_001267550.2(TTN):c.49708T>C (p.Leu16570=)

Genes: TTN (titin; minus strand), TTN-AS1 (TTN antisense RNA 1; plus strand). Cytogenetic location: 2q31.2.
Variant type: single nucleotide variant.
Coding change: c.49708T>C on transcript NM_001267550.2 (MANE Select); coding-DNA position 49708, T replaced by C.
Protein change: p.Leu16570=; no amino-acid change (leucine 16570 retained).
Molecular consequence: synonymous variant.
Genome position (GRCh38, 1-based): chr2:178,613,013, A>G on the plus strand (T>C on the coding strand, the complement: TTN is on the minus strand). VCF-style: chr2-178613013-A-G. GRCh37 (hg19) VCF-style: chr2-179477740-A-G.
Other names: c.44785T>C, p.Leu14929= (NM_001256850.1); c.22513T>C, p.Leu7505= (NM_003319.4); c.42004T>C, p.Leu14002= (NM_133378.4); c.22888T>C, p.Leu7630= (NM_133432.3); c.23089T>C, p.Leu7697= (NM_133437.4).
Identifiers: ClinVar variation 698492 (VCV000698492.19), dbSNP rs781276769, ClinGen allele CA1994527.

ClinVar aggregate classification (germline): Likely benign. Review status: criteria provided, multiple submitters, no conflicts (2 of 4 stars). 3 submissions from 3 submitters: Likely benign (3). Last evaluated 2025-10-18.

Conditions:
Cardiovascular phenotype. Identifiers: MedGen CN230736.
Autosomal recessive limb-girdle muscular dystrophy type 2J (LGMDR10). Also called: Limb-girdle muscular dystrophy, type 2J; MUSCULAR DYSTROPHY, LIMB-GIRDLE, AUTOSOMAL RECESSIVE 10. Identifiers: Orphanet 140922, MedGen C1837342, MONDO:0012127, OMIM 608807.
Dilated cardiomyopathy 1G (CMD1G). Identifiers: Orphanet 154, MedGen C1858763, MONDO:0011400, OMIM 604145.

Allele frequency attached by ClinVar (database versions not stated): gnomAD exomes below 0.00001 and 0.00001; TOPMed below 0.00001; gnomAD 0.00001; ExAC 0.00002.
gnomAD v4.1: 7 of 1,612,654 alleles (0.00043%); highest among the groups gnomAD compares: Non-Finnish European, 0.00042%; no homozygotes.

Submissions (3):

Labcorp Genetics (formerly Invitae), Labcorp
Classification: Likely benign for Dilated cardiomyopathy 1G; Autosomal recessive limb-girdle muscular dystrophy type 2J. Last evaluated: 2025-10-18. Review status: criteria provided, single submitter. Criteria: Invitae Variant Classification Sherloc (09022015). Collection method: clinical testing. Allele origin: germline.

CeGaT Center for Human Genetics Tuebingen
Classification: Likely benign. Last evaluated: 2025-08-01. Review status: criteria provided, single submitter. Criteria: CeGaT Center For Human Genetics Tuebingen Variant Classification Criteria Version 2. Collection method: clinical testing. Allele origin: germline. Affected: yes. Observed: 2 variant alleles.
Comment: TTN: BP4, BP7

Ambry Genetics
Classification: Likely benign for Cardiovascular phenotype. Last evaluated: 2021-04-29. Review status: criteria provided, single submitter. Criteria: Ambry Variant Classification Scheme 2023. Collection method: clinical testing. Allele origin: germline.